The following is an entry in ClinVar:

ClinVar aggregate classification (germline): Likely benign. Review status: criteria provided, multiple submitters, no conflicts (2 of 4 stars). 2 submissions from 2 submitters: Likely benign (2). Last evaluated 2025-06-25.

Allele frequency attached by ClinVar (database versions not stated): ExAC 0.00002; gnomAD exomes 0.00002 and 0.00004; gnomAD 0.00003; TOPMed 0.00003.
gnomAD v4.1: 61 of 1,613,912 alleles (0.0038%); highest among the groups gnomAD compares: South Asian, 0.016%; no homozygotes.

Submissions (2):

Mayo Clinic Laboratories, Mayo Clinic
Classification: Likely benign. Last evaluated: 2025-06-25. Review status: criteria provided, single submitter. Criteria: ACMG Guidelines, 2015. Collection method: clinical testing. Allele origin: germline. Observed: 1 variant allele.
Comment: BP4, BP7

Labcorp Genetics (formerly Invitae), Labcorp
Classification: Likely benign. Last evaluated: 2024-12-16. Review status: criteria provided, single submitter. Criteria: Invitae Variant Classification Sherloc (09022015). Collection method: clinical testing. Allele origin: germline.

NM_001261826.3(AP3D1):c.624C>T (p.Cys208=)

Gene: AP3D1 (adaptor related protein complex 3 subunit delta 1; minus strand). Cytogenetic location: 19p13.3.
Variant type: single nucleotide variant.
Coding change: c.624C>T on transcript NM_001261826.3 (MANE Select); coding-DNA position 624, C replaced by T.
Protein change: p.Cys208=; no amino-acid change (cysteine 208 retained).
Molecular consequence: synonymous variant.
Genome position (GRCh38, 1-based): chr19:2,129,426, G>A on the plus strand (C>T on the coding strand, the complement: AP3D1 is on the minus strand). VCF-style: chr19-2129426-G-A. GRCh37 (hg19) VCF-style: chr19-2129425-G-A.
Other names: p.Cys208=; c.624C>T, p.Cys208= (NM_001374799.1, NM_003938.8).
Identifiers: ClinVar variation 1038012 (VCV001038012.9), dbSNP rs767065209, ClinGen allele CA9059632.